The following is an entry in ClinVar:

NM_005709.4(USH1C):c.1220G>A (p.Gly407Glu)

Gene: USH1C (USH1 protein network component harmonin; minus strand). Cytogenetic location: 11p15.1.
Variant type: single nucleotide variant.
Coding change: c.1220G>A on transcript NM_005709.4 (MANE Plus Clinical); coding-DNA position 1220, G replaced by A.
Protein change: p.Gly407Glu; replaces glycine 407 with glutamic acid.
Molecular consequence: missense variant. On other transcripts: intron variant (1).
Genome position (GRCh38, 1-based): chr11:17,517,465, C>T on the plus strand (G>A on the coding strand, the complement: USH1C is on the minus strand). VCF-style: chr11-17517465-C-T. GRCh37 (hg19) VCF-style: chr11-17539012-C-T.
Other names: p.Gly407Glu; c.1163G>A, p.Gly388Glu (NM_001297764.2); c.1211-1175G>A (NM_153676.4); short protein forms G407E, G388E.
Identifiers: ClinVar variation 303804 (VCV000303804.24), dbSNP rs143923730, ClinGen allele CA5904675.

ClinVar aggregate classification (germline): Conflicting classifications of pathogenicity. Review status: criteria provided, conflicting classifications (1 of 4 stars). 9 submissions from 9 submitters: Uncertain significance (1); Likely benign (5). 3 of the submissions do not count toward it. Last evaluated 2026-01-28.

Conditions:
USH1C-related disorder. Also called: USH1C-related condition.
Usher syndrome type 1C. Also called: USHER SYNDROME, TYPE I, ACADIAN VARIETY. Identifiers: Orphanet 231169, Orphanet 886, MedGen C1848604, MONDO:0010171, OMIM 276904.

Allele frequency attached by ClinVar (database versions not stated): TOPMed 0.00014; 1000 Genomes Project 30x 0.00219; 1000 Genomes Project 0.00260.
gnomAD v4.1: 152 of 1,592,746 alleles (0.0095%); highest among the groups gnomAD compares: East Asian, 0.18%; 1 homozygote.

Submissions (9):

Labcorp Genetics (formerly Invitae), Labcorp
Classification: Likely benign. Last evaluated: 2026-01-28. Review status: criteria provided, single submitter. Criteria: Invitae Variant Classification Sherloc (09022015). Collection method: clinical testing. Allele origin: germline.

Mayo Clinic Laboratories, Mayo Clinic
Classification: Likely benign. Last evaluated: 2025-03-17. Review status: criteria provided, single submitter. Criteria: ACMG Guidelines, 2015. Collection method: clinical testing. Allele origin: germline. Observed: 1 variant allele.
Comment: BS1, BP4

PreventionGenetics, part of Exact Sciences
Classification: Likely benign for USH1C-related condition. Last evaluated: 2025-01-09. Review status: criteria provided, single submitter. Criteria: ACMG Guidelines, 2015. Collection method: clinical testing. Allele origin: germline.
Comment: This variant is classified as likely benign based on ACMG/AMP sequence variant interpretation guidelines (Richards et al. 2015 PMID: 25741868, with internal and published modifications).

Blueprint Genetics
Classification: Likely benign. Last evaluated: 2024-06-11. Review status: criteria provided, single submitter. Criteria: ACMG Guidelines, 2015. Collection method: clinical testing. Allele origin: germline.

GeneDx
Classification: Likely benign. Last evaluated: 2020-04-27. Review status: criteria provided, single submitter. Criteria: GeneDx Variant Classification Process June 2021. Collection method: clinical testing. Allele origin: germline. Affected: yes.

Illumina Laboratory Services, Illumina
Classification: Uncertain significance for Usher syndrome type 1C. Last evaluated: 2018-01-12. Review status: criteria provided, single submitter. Criteria: ICSL Variant Classification Criteria 13 December 2019. Collection method: clinical testing. Allele origin: germline.

Natera, Inc.
Classification: Likely benign for Usher syndrome type 1C. Last evaluated: 2020-09-16. Review status: no assertion criteria provided. Collection method: clinical testing. Allele origin: germline. Not counted in ClinVar's aggregate classification.

Clinical Genetics DNA and cytogenetics Diagnostics Lab, Erasmus MC, Erasmus Medical Center
Classification: Likely benign. Review status: no assertion criteria provided. Collection method: clinical testing. Allele origin: germline. Affected: yes. Study: VKGL Data-share Consensus. Not counted in ClinVar's aggregate classification.

Clinical Genetics, Academic Medical Center
Classification: Benign. Review status: no assertion criteria provided. Collection method: clinical testing. Allele origin: germline. Affected: yes. Study: VKGL Data-share Consensus. Not counted in ClinVar's aggregate classification.

Literature cited by the submitters: PubMed 31193260 (cited by Mayo Clinic Laboratories, Mayo Clinic).